The following is an entry in ClinVar:

ClinVar aggregate classification (germline): Uncertain significance (1 of 4 stars; one submission).

Submission:

Ambry Genetics
Classification: Uncertain significance. Last evaluated: 2025-03-03. Review status: criteria provided, single submitter. Criteria: Ambry Variant Classification Scheme 2023. Collection method: clinical testing. Allele origin: germline.
Comment: The p.H178R variant (also known as c.533A>G), located in coding exon 5 of the PKP4 gene, results from an A to G substitution at nucleotide position 533. The histidine at codon 178 is replaced by arginine, an amino acid with highly similar properties. This amino acid position is conserved. In addition, the in silico prediction for this alteration is inconclusive. Based on the available evidence, the clinical significance of this variant remains unclear.

NM_003628.6(PKP4):c.533A>G (p.His178Arg)

Gene: PKP4 (plakophilin 4; plus strand). Cytogenetic location: 2q24.1.
Variant type: single nucleotide variant.
Coding change: c.533A>G on transcript NM_003628.6 (MANE Select); coding-DNA position 533, A replaced by G.
Protein change: p.His178Arg; replaces histidine 178 with arginine.
Molecular consequence: missense variant. On other transcripts: 5 prime UTR variant (1).
Genome position (GRCh38, 1-based): chr2:158,621,351, A>G. VCF-style: chr2-158621351-A-G. GRCh37 (hg19) VCF-style: chr2-159477863-A-G.
Other names: c.533A>G, p.His178Arg (NM_001005476.4, NM_001304969.3, NM_001304971.2 and 6 more transcripts); c.-417A>G (NM_001304970.3); c.527A>G, p.His176Arg (NM_001377222.1, NM_001377223.1, NM_001377224.1); short protein forms H178R, H176R.
Identifiers: ClinVar variation 3889692 (VCV003889692.1).